The following is an entry in ClinVar:

ClinVar aggregate classification (germline): Conflicting classifications of pathogenicity. Review status: criteria provided, conflicting classifications (1 of 4 stars). 4 submissions from 4 submitters: Uncertain significance (3); Likely benign (1). Last evaluated 2025-09-14.

Conditions:
Tuberous sclerosis 2 (TSC2). Identifiers: Orphanet 805, MedGen C1860707, MONDO:0013199, OMIM 613254.
Hereditary cancer-predisposing syndrome. Also called: Neoplastic Syndromes, Hereditary; Tumor predisposition; Hereditary Cancer Syndrome; Hereditary neoplastic syndrome. Identifiers: Orphanet 140162, MedGen C0027672, MeSH D009386, MONDO:0015356.

Allele frequency attached by ClinVar (database versions not stated): TOPMed below 0.00001; gnomAD 0.00001; gnomAD exomes 0.00001.

Submissions (4):

Labcorp Genetics (formerly Invitae), Labcorp
Classification: Likely benign for Tuberous sclerosis 2. Last evaluated: 2025-09-14. Review status: criteria provided, single submitter. Criteria: Invitae Variant Classification Sherloc (09022015). Collection method: clinical testing. Allele origin: germline.

Ambry Genetics
Classification: Uncertain significance for Hereditary cancer-predisposing syndrome. Last evaluated: 2025-04-23. Review status: criteria provided, single submitter. Criteria: Ambry Variant Classification Scheme 2023. Collection method: clinical testing. Allele origin: germline.
Comment: The p.R57C variant (also known as c.169C>T), located in coding exon 2 of the TSC2 gene, results from a C to T substitution at nucleotide position 169. The arginine at codon 57 is replaced by cysteine, an amino acid with highly dissimilar properties. This variant was detected in 1/15 Chinese neonates with unexplained seizures and was identified in 1 of 374 patients with clinically suspected TSC undergoing genetic testing within the TSC1 and TSC2 genes (Ma X et al. Genes Dis. 2019 Dec;6:441-447;Meng Y et al. J Hum Genet, 2021 Mar;66:227-236). This amino acid position is highly conserved in available vertebrate species. In addition, this alteration is predicted to be deleterious by in silico analysis. Since supporting evidence is limited at this time, the clinical significance of this alteration remains unclear.

GeneDx
Classification: Uncertain significance. Last evaluated: 2025-04-01. Review status: criteria provided, single submitter. Criteria: GeneDx Variant Classification Process June 2021. Collection method: clinical testing. Allele origin: germline. Affected: yes.
Comment: Identified in a patient with cortical dysplasia and epilepsy (PMID: 32917966); Not observed at significant frequency in large population cohorts (gnomAD); In silico analysis supports that this missense variant has a deleterious effect on protein structure/function; This variant is associated with the following publications: (PMID: 31832524, 28191889, 18466115, 32917966)

Genome-Nilou Lab
Classification: Uncertain significance for Tuberous sclerosis 2. Last evaluated: 2021-11-07. Review status: criteria provided, single submitter. Criteria: ACMG Guidelines, 2015. Collection method: clinical testing. Allele origin: germline. Affected: no.

Literature cited by the submitters: PubMed 31832524 (cited by Ambry Genetics); PubMed 32917966 (cited by Ambry Genetics).

NM_000548.5(TSC2):c.169C>T (p.Arg57Cys)

Gene: TSC2 (TSC complex subunit 2; plus strand). Cytogenetic location: 16p13.3.
Variant type: single nucleotide variant.
Coding change: c.169C>T on transcript NM_000548.5 (MANE Select); coding-DNA position 169, C replaced by T.
Protein change: p.Arg57Cys; replaces arginine 57 with cysteine.
Molecular consequence: missense variant. On other transcripts: 5 prime UTR variant (1).
Genome position (GRCh38, 1-based): chr16:2,050,430, C>T. VCF-style: chr16-2050430-C-T. GRCh37 (hg19) VCF-style: chr16-2100431-C-T.
Other names: c.169C>T, p.Arg57Cys (NM_001077183.3, NM_001114382.3, NM_001318827.2 and 4 more transcripts); c.22C>T, p.Arg8Cys (NM_001318829.2); c.-58C>T (NM_001318831.2); c.202C>T, p.Arg68Cys (NM_001318832.2); short protein forms R57C, R68C, R8C.
Identifiers: ClinVar variation 535903 (VCV000535903.19), dbSNP rs1430159201, ClinGen allele CA394303257.